The following is an entry in ClinVar:

NM_001303256.3(MORC2):c.956G>T (p.Arg319Leu)

Gene: MORC2 (MORC family CW-type zinc finger 2; minus strand). Cytogenetic location: 22q12.2.
Variant type: single nucleotide variant.
Coding change: c.956G>T on transcript NM_001303256.3 (MANE Select); coding-DNA position 956, G replaced by T.
Protein change: p.Arg319Leu; replaces arginine 319 with leucine.
Molecular consequence: missense variant.
Genome position (GRCh38, 1-based): chr22:30,939,990, C>A on the plus strand (G>T on the coding strand, the complement: MORC2 is on the minus strand). VCF-style: chr22-30939990-C-A. GRCh37 (hg19) VCF-style: chr22-31335977-C-A.
Other names: c.956G>T, p.Arg319Leu (NM_001303257.2); c.770G>T, p.Arg257Leu (NM_014941.3); short protein forms R257L, R319L.
Identifiers: ClinVar variation 3693538 (VCV003693538.2).

ClinVar aggregate classification (germline): Uncertain significance (1 of 4 stars; one submission).

Conditions:
Charcot-Marie-Tooth disease axonal type 2Z. Also called: CHARCOT-MARIE-TOOTH DISEASE, AXONAL, AUTOSOMAL DOMINANT, TYPE 2Z; CHARCOT-MARIE-TOOTH NEUROPATHY, TYPE 2Z. Identifiers: Orphanet 466768, MedGen C5569025, MONDO:0014736, OMIM 616688.

Submission:

Labcorp Genetics (formerly Invitae), Labcorp
Classification: Uncertain significance for Charcot-Marie-Tooth disease axonal type 2Z. Last evaluated: 2024-03-20. Review status: criteria provided, single submitter. Criteria: Invitae Variant Classification Sherloc (09022015). Collection method: clinical testing. Allele origin: germline.
Comment: This sequence change replaces arginine, which is basic and polar, with leucine, which is neutral and non-polar, at codon 319 of the MORC2 protein (p.Arg319Leu). This variant is not present in population databases (gnomAD no frequency). This variant has not been reported in the literature in individuals affected with MORC2-related conditions. Advanced modeling of protein sequence and biophysical properties (such as structural, functional, and spatial information, amino acid conservation, physicochemical variation, residue mobility, and thermodynamic stability) has been performed at Invitae for this missense variant, however the output from this modeling did not meet the statistical confidence thresholds required to predict the impact of this variant on MORC2 protein function. In summary, the available evidence is currently insufficient to determine the role of this variant in disease. Therefore, it has been classified as a Variant of Uncertain Significance.